The following is an entry in ClinVar:

NM_201384.3(PLEC):c.10963G>T (p.Ala3655Ser)

Gene: PLEC (plectin; minus strand). Cytogenetic location: 8q24.3.
Variant type: single nucleotide variant.
Coding change: c.10963G>T on transcript NM_201384.3 (MANE Select); coding-DNA position 10963, G replaced by T.
Protein change: p.Ala3655Ser; replaces alanine 3655 with serine.
Molecular consequence: missense variant.
Genome position (GRCh38, 1-based): chr8:143,918,858, C>A on the plus strand (G>T on the coding strand, the complement: PLEC is on the minus strand). VCF-style: chr8-143918858-C-A. GRCh37 (hg19) VCF-style: chr8-144993026-C-A.
Other names: c.11044G>T, p.Ala3682Ser (NM_000445.5); c.10921G>T, p.Ala3641Ser (NM_201378.4); c.10897G>T, p.Ala3633Ser (NM_201379.3); c.11374G>T, p.Ala3792Ser (NM_201380.4); c.10867G>T, p.Ala3623Ser (NM_201381.3); c.10963G>T, p.Ala3655Ser (NM_201382.4); c.10975G>T, p.Ala3659Ser (NM_201383.3); c.11044G>T (NM_000445.3); short protein forms A3655S, A3659S, A3633S, A3641S, A3682S, A3792S, A3623S.
Identifiers: ClinVar variation 639094 (VCV000639094.10), dbSNP rs1315338542, ClinGen allele CA372495303.

ClinVar aggregate classification (germline): Uncertain significance. Review status: criteria provided, multiple submitters, no conflicts (2 of 4 stars). 2 submissions from 2 submitters: Uncertain significance (2). Last evaluated 2023-12-15.

Conditions:
Inborn genetic diseases. Identifiers: MedGen C0950123, MeSH D030342.
Epidermolysis bullosa simplex 5C, with pyloric atresia (EBS5C). Also called: PLEC-Related Epidermolysis Bullosa with Pyloric Atresia; Epidermolysis bullosa simplex with pyloric atresia; PLEC1-Related Epidermolysis Bullosa with Pyloric Atresia. Identifiers: Orphanet 158684, MedGen C2677349, MONDO:0012807, OMIM 612138.
Epidermolysis bullosa simplex 5B, with muscular dystrophy (EBS5B). Also called: EPIDERMOLYSIS BULLOSA SIMPLEX AND LIMB-GIRDLE MUSCULAR DYSTROPHY; Epidermolysis bullosa simplex with muscular dystrophy. Identifiers: Orphanet 257, MedGen C2931072, MONDO:0009181, OMIM 226670.
Autosomal recessive limb-girdle muscular dystrophy type 2Q (LGMDR17). Also called: MUSCULAR DYSTROPHY, LIMB-GIRDLE, AUTOSOMAL RECESSIVE 17. Identifiers: Orphanet 254361, MedGen C3150989, MONDO:0013390, OMIM 613723.
Epidermolysis bullosa simplex with nail dystrophy (EBS5D). Identifiers: MedGen C4225309, MONDO:0014661, OMIM 616487.
Epidermolysis bullosa simplex, Ogna type (EBS5A). Also called: Pidermolysis bullosa simplex 5A, Ogna type; EPIDERMOLYSIS BULLOSA SIMPLEX 5A, OGNA TYPE. Identifiers: Orphanet 79401, MedGen C0432317, MONDO:0007555, OMIM 131950.

Allele frequency attached by ClinVar (database versions not stated): gnomAD exomes below 0.00001 and 0.00001; gnomAD 0.00001; TOPMed 0.00001.
gnomAD v4.1: 15 of 1,612,776 alleles (0.00093%); highest among the groups gnomAD compares: East Asian, 0.0022%; no homozygotes.

Submissions (2):

Ambry Genetics
Classification: Uncertain significance for Inborn genetic diseases. Last evaluated: 2023-12-15. Review status: criteria provided, single submitter. Criteria: Ambry Variant Classification Scheme 2023. Collection method: clinical testing. Allele origin: germline.

Labcorp Genetics (formerly Invitae), Labcorp
Classification: Uncertain significance for Autosomal recessive limb-girdle muscular dystrophy type 2Q; Epidermolysis bullosa simplex, Ogna type; Epidermolysis bullosa simplex with nail dystrophy; Epidermolysis bullosa simplex 5C, with pyloric atresia; Epidermolysis bullosa simplex 5B, with muscular dystrophy. Last evaluated: 2018-09-11. Review status: criteria provided, single submitter. Criteria: Invitae Variant Classification Sherloc (09022015). Collection method: clinical testing. Allele origin: germline.
Comment: This variant is not present in population databases (ExAC no frequency). This sequence change replaces alanine with serine at codon 3682 of the PLEC protein (p.Ala3682Ser). The alanine residue is highly conserved and there is a moderate physicochemical difference between alanine and serine. This variant has not been reported in the literature in individuals with PLEC-related disease. In summary, the available evidence is currently insufficient to determine the role of this variant in disease. Therefore, it has been classified as a Variant of Uncertain Significance. Algorithms developed to predict the effect of missense changes on protein structure and function (SIFT, PolyPhen-2, Align-GVGD) all suggest that this variant is likely to be disruptive, but these predictions have not been confirmed by published functional studies and their clinical significance is uncertain.